The following is an entry in ClinVar:

NM_000257.4(MYH7):c.2912C>T (p.Thr971Ile)

Gene: MYH7 (myosin heavy chain 7; minus strand). Cytogenetic location: 14q11.2.
Variant type: single nucleotide variant.
Coding change: c.2912C>T on transcript NM_000257.4 (MANE Select); coding-DNA position 2912, C replaced by T.
Protein change: p.Thr971Ile; replaces threonine 971 with isoleucine.
Molecular consequence: missense variant.
Genome position (GRCh38, 1-based): chr14:23,423,917, G>A on the plus strand (C>T on the coding strand, the complement: MYH7 is on the minus strand). VCF-style: chr14-23423917-G-A. GRCh37 (hg19) VCF-style: chr14-23893126-G-A.
Other names: c.2912C>T, p.Thr971Ile (NM_001407004.1); short protein forms T971I.
Identifiers: ClinVar variation 4757818 (VCV004757818.1).

ClinVar aggregate classification (germline): Uncertain significance (1 of 4 stars; one submission).

Conditions:
Cardiomyopathy (CMYO). Also called: Cardiomyopathies. Identifiers: Orphanet 167848, MedGen C0878544, MONDO:0004994, HP:0001638. Inheritance: Various modes of inheritance.

gnomAD v4.1: 1 of 1,614,058 alleles (0.000062%); highest among the groups gnomAD compares: Non-Finnish European, 0.000085%; no homozygotes.

Submission:

Color Diagnostics, LLC DBA Color Health
Classification: Uncertain significance for Cardiomyopathy. Last evaluated: 2025-08-25. Review status: criteria provided, single submitter. Criteria: ACMG Guidelines, 2015. Collection method: clinical testing. Allele origin: germline.
Comment: This missense variant replaces threonine with isoleucine at codon 971 of the MYH7 protein. Computational prediction is inconclusive regarding the impact of this variant on protein structure and function. To our knowledge, functional studies have not been reported for this variant. This variant has not been reported in individuals affected with MYH7-related disorders in the literature. This variant has not been identified in the general population by the Genome Aggregation Database (gnomAD). The available evidence is insufficient to determine the role of this variant in disease conclusively. Therefore, this variant is classified as a Variant of Uncertain Significance.